The following is an entry in ClinVar:

NM_002691.4(POLD1):c.278_280del (p.Pro93del)

Gene: POLD1 (DNA polymerase delta 1, catalytic subunit; plus strand). Cytogenetic location: 19q13.33.
Variant type: Deletion.
Coding change: c.278_280del on transcript NM_002691.4 (MANE Select); coding-DNA positions 278 to 280, 3 bases deleted (CCC; older notation c.278_280delCCC).
Protein change: p.Pro93del; deletes proline 93.
Molecular consequence: inframe deletion. On other transcripts: non-coding transcript variant (1).
Genome position (GRCh38, 1-based): chr19:50,399,446-50,399,448, CCC deleted; deleting any 3 consecutive bases within chr19:50,399,445-50,399,448 gives the same sequence; the c. name uses the placement nearest the transcript's 3' end. VCF-style (leftmost placement, unchanged base first): chr19-50399444-GCCC-G. GRCh37 (hg19) VCF-style: chr19-50902701-GCCC-G.
Other names: c.278_280del, p.Pro93del (NM_001256849.1, NM_001308632.1); short protein forms P93del.
Identifiers: ClinVar variation 2020949 (VCV002020949.4), dbSNP rs2513937472, ClinGen allele CA2580097615.
Genomic context (GRCh38, chr19:50,399,444, plus strand): 5'-ATCAGCCATAGATCCTCGCTGGCTTCGGCCCACACCACCAGCGCTGGACCCCCAGACAGA[GCCC>G]CTCATCTTCCAACAGTTGGAGATTGACCATTATGTGGGTGAGTTTAGGGGTTATGGGTGA-3'

ClinVar aggregate classification (germline): Uncertain significance (1 of 4 stars; one submission).

Conditions:
POLD1-related polyposis and colorectal cancer syndrome (CRCS10). Also called: Colorectal cancer 10; COLORECTAL CANCER, SUSCEPTIBILITY TO, ON CHROMOSOME 19q; Colorectal cancer, susceptibility to, 10. Identifiers: Orphanet 220460, MedGen C2675481, MONDO:0012953, OMIM 612591.

Submission:

Labcorp Genetics (formerly Invitae), Labcorp
Classification: Uncertain significance for POLD1-related polyposis and colorectal cancer syndrome. Last evaluated: 2022-08-01. Review status: criteria provided, single submitter. Criteria: Invitae Variant Classification Sherloc (09022015). Collection method: clinical testing. Allele origin: germline.
Comment: In summary, the available evidence is currently insufficient to determine the role of this variant in disease. Therefore, it has been classified as a Variant of Uncertain Significance. Experimental studies and prediction algorithms are not available or were not evaluated, and the functional significance of this variant is currently unknown. This variant has not been reported in the literature in individuals affected with POLD1-related conditions. This variant is not present in population databases (gnomAD no frequency). This variant, c.278_280del, results in the deletion of 1 amino acid(s) of the POLD1 protein (p.Pro93del), but otherwise preserves the integrity of the reading frame.